The following is an entry in ClinVar:

NM_025136.4(OPA3):c.*540G>T

Genes: OPA3 (outer mitochondrial membrane lipid metabolism regulator OPA3; minus strand), OPA3-RTN2 (OPA3-RTN2 readthrough; minus strand). Cytogenetic location: 19q13.32.
Variant type: single nucleotide variant.
Coding change: c.*540G>T on transcript NM_025136.4 (MANE Select); 540 bases downstream of the stop codon, G replaced by T.
Molecular consequence: 3 prime UTR variant. On other transcripts: intron variant (1).
Genome position (GRCh38, 1-based): chr19:45,552,974, C>A on the plus strand (G>T on the coding strand, the complement: OPA3 is on the minus strand). VCF-style: chr19-45552974-C-A. GRCh37 (hg19) VCF-style: chr19-46056232-C-A.
Other names: c.143-23518G>T (NM_001017989.3).
Identifiers: ClinVar variation 894588 (VCV000894588.4), dbSNP rs149360920, ClinGen allele CA308958179.

ClinVar aggregate classification (germline): Conflicting classifications of pathogenicity. Review status: criteria provided, conflicting classifications (1 of 4 stars). 2 submissions from 1 submitter: Uncertain significance (1); Benign (1). Last evaluated 2018-01-12.

Conditions:
3-Methylglutaconic aciduria type 3 (MGCA3). Also called: OPA3, AUTOSOMAL RECESSIVE; OPA3-Related 3-Methylglutaconic Aciduria; Costeff Syndrome; OPTIC ATROPHY 3, AUTOSOMAL RECESSIVE. Identifiers: Orphanet 67047, MedGen C0574084, MONDO:0009787, OMIM 258501.
Optic atrophy 3 (OPA3). Also called: OPTIC ATROPHY 3, AUTOSOMAL DOMINANT; Optic atrophy, cataract, and neurologic disorder; Optic atrophy 3 with cataract. Identifiers: Orphanet 67036, MedGen C1833809, MONDO:0008133, OMIM 165300.

Allele frequency attached by ClinVar (database versions not stated): gnomAD exomes 0.00037; gnomAD 0.00209 and 0.00220; TOPMed 0.00235; 1000 Genomes Project 0.00240; 1000 Genomes Project 30x 0.00281.
gnomAD v4.1: 638 of 992,078 alleles (0.064%); highest among the groups gnomAD compares: African/African-American, 0.78%; 1 homozygote.

Submissions (2):

Illumina Laboratory Services, Illumina
Classification: Benign for Optic atrophy 3. Last evaluated: 2018-01-12. Review status: criteria provided, single submitter. Criteria: ICSL Variant Classification Criteria 13 December 2019. Collection method: clinical testing. Allele origin: germline.
Comment: This variant was observed in the ICSL laboratory as part of a predisposition screen in an ostensibly healthy population. It had not been previously curated by ICSL or reported in the Human Gene Mutation Database (HGMD: prior to June 1st, 2018), and was therefore a candidate for classification through an automated scoring system. Utilizing variant allele frequency, disease prevalence and penetrance estimates, and inheritance mode, an automated score was calculated to assess if this variant is too frequent to cause the disease. Based on the score and internal cut-off values, a variant classified as benign is not then subjected to further curation. The score for this variant resulted in a classification of benign for this disease.

Illumina Laboratory Services, Illumina
Classification: Uncertain significance for 3-Methylglutaconic aciduria type 3. Last evaluated: 2018-01-12. Review status: criteria provided, single submitter. Criteria: ICSL Variant Classification Criteria 13 December 2019. Collection method: clinical testing. Allele origin: germline.